The following is an entry in ClinVar:

ClinVar aggregate classification (germline): Pathogenic. Review status: criteria provided, multiple submitters, no conflicts (2 of 4 stars). 3 submissions from 3 submitters: Pathogenic (3). Last evaluated 2026-06-18.

Conditions:
Polycystic kidney disease, adult type (PKD1). Also called: POLYCYSTIC KIDNEY DISEASE 1 WITH OR WITHOUT POLYCYSTIC LIVER DISEASE; Polycystic Kidney Disease 1, Autosomal Dominant; Polycystic kidney disease 1; Polycystic kidney disease 1, severe; POLYCYSTIC KIDNEY DISEASE, ADULT, TYPE I; Polycystic Kidney, Autosomal Dominant. Identifiers: MedGen C3149841, MONDO:0008263, OMIM 173900.
PKD1-related disorder. Also called: PKD1-related condition.

Submissions (3):

Women's Health and Genetics/Laboratory Corporation of America, LabCorp
Classification: Pathogenic for Polycystic kidney disease, adult type. Last evaluated: 2026-06-18. Review status: criteria provided, single submitter. Criteria: LabCorp Variant Classification Summary - May 2015. Collection method: clinical testing. Allele origin: germline.
Comment: Variant summary: PKD1 c.11935C>T (p.Gln3979X) results in a premature termination codon, predicted to cause a truncation of the encoded protein or absence of the protein due to nonsense mediated decay, which are commonly known mechanisms for disease. The variant was absent in 158450 control chromosomes. c.11935C>T has been observed in at least one heterozygous individual affected with Polycystic Kidney Disease 1 (Hoefele_2011). To our knowledge, no experimental evidence demonstrating an impact on protein function has been reported. The following publication has been ascertained in the context of this evaluation (PMID: 21115670). ClinVar contains an entry for this variant (Variation ID: 1806306). Based on the evidence outlined above, the variant was classified as pathogenic.

Blueprint Genetics
Classification: Pathogenic for PKD1-related disorders. Last evaluated: 2022-02-16. Review status: criteria provided, single submitter. Criteria: ACMG Guidelines, 2015. Collection method: clinical testing. Allele origin: germline. Affected: yes. Observed: 4 variant alleles.

Victorian Clinical Genetics Services, Murdoch Childrens Research Institute
Classification: Pathogenic for Polycystic kidney disease, adult type. Last evaluated: 2020-05-01. Review status: criteria provided, single submitter. Criteria: ACMG Guidelines, 2015. Collection method: clinical testing. Allele origin: germline. Inheritance: Autosomal dominant inheritance. Affected: yes.
Comment: Based on the classification scheme VCGS_Germline_v1.1.1, this variant is classified as Pathogenic. Following criteria are met: 0102 - Loss-of-function is a known mechanism of disease for this gene. (N) 0107 - This gene is known to be associated with autosomal dominant disease. (N) 0201 - Variant is predicted to cause nonsense-mediated decay (NMD) and loss of the protein (exon 43 of 46). (P) 0251 - Variant is heterozygous. (N) 0301 - Variant is absent from gnomAD. (P) 0701 - Comparable NMD causing variants have very strong previous evidence for pathogenicity (ClinVar). (P) 0801 - Strong previous evidence of pathogenicity in unrelated individuals with polycystic kidney disease (Hoefele, J. et al. (2011), Audrezet, M. et al. (2012), Xu, D. et al. (2018), Berckmoes, V. et al. (2019)). (P) 0905 - No segregation evidence has been identified for this variant. (N) 1007 - No published functional evidence has been identified for this variant. (N) 1208 - Inheritance information for this variant is not currently available. (N) Legend: (P) - Pathogenic, (N) - Neutral, (B) - Benign

Literature cited by the submitters: PubMed 21115670 (cited by Women's Health and Genetics/Laboratory Corporation of America, LabCorp and Victorian Clinical Genetics Services, Murdoch Childrens Research Institute); PubMed 22508176 (cited by Victorian Clinical Genetics Services, Murdoch Childrens Research Institute); PubMed 29529603 (cited by Victorian Clinical Genetics Services, Murdoch Childrens Research Institute); PubMed 30927425 (cited by Victorian Clinical Genetics Services, Murdoch Childrens Research Institute).

NM_001009944.3(PKD1):c.11935C>T (p.Gln3979Ter)

Gene: PKD1 (polycystin 1, transient receptor potential channel interacting; minus strand). Cytogenetic location: 16p13.3.
Variant type: single nucleotide variant.
Coding change: c.11935C>T on transcript NM_001009944.3 (MANE Select); coding-DNA position 11935, C replaced by T.
Protein change: p.Gln3979Ter; replaces glutamine 3979 with a stop codon.
Molecular consequence: nonsense.
Genome position (GRCh38, 1-based): chr16:2,090,952, G>A on the plus strand (C>T on the coding strand, the complement: PKD1 is on the minus strand). VCF-style: chr16-2090952-G-A. GRCh37 (hg19) VCF-style: chr16-2140953-G-A.
Other names: c.11932C>T, p.Gln3978Ter (NM_000296.4); short protein forms Q3978*, Q3979*.
Identifiers: ClinVar variation 1806306 (VCV001806306.3), dbSNP rs2544597444, ClinGen allele CA394328962.
Genomic context (GRCh38, chr16:2,090,952, plus strand): 5'-AAAGCAGGAAGAGCAGCGAGGCCGCCAGGCCACGGGCTGCGGAGCTCAGCTGCGCCACCT[G>A]GTCGAAGCTAGTGAAGCGGCGCGGGCGGCCGCGCACGAAACGGGTCCACTGGCGGTCAGC-3'